The following is an entry in ClinVar:

ClinVar aggregate classification (germline): Uncertain significance (1 of 4 stars; one submission).

Conditions:
Familial adenomatous polyposis 1 (FAP1). Also called: FAMILIAL ADENOMATOUS POLYPOSIS 1, ATTENUATED; POLYPOSIS, ADENOMATOUS INTESTINAL. Identifiers: MedGen C2713442, MONDO:0021056, OMIM 175100. Disease mechanism: loss of function.

gnomAD v4.1: 1 of 1,613,898 alleles (0.000062%); highest among the groups gnomAD compares: Non-Finnish European, 0.000085%; no homozygotes.

Submission:

Labcorp Genetics (formerly Invitae), Labcorp
Classification: Uncertain significance for Familial adenomatous polyposis 1. Last evaluated: 2021-06-17. Review status: criteria provided, single submitter. Criteria: Invitae Variant Classification Sherloc (09022015). Collection method: clinical testing. Allele origin: germline.
Comment: In summary, the available evidence is currently insufficient to determine the role of this variant in disease. Therefore, it has been classified as a Variant of Uncertain Significance. Algorithms developed to predict the effect of missense changes on protein structure and function are either unavailable or do not agree on the potential impact of this missense change (SIFT: "Deleterious"; PolyPhen-2: "Probably Damaging"; Align-GVGD: "Class C0"). This variant has not been reported in the literature in individuals with APC-related conditions. This variant is not present in population databases (ExAC no frequency). This sequence change replaces leucine with phenylalanine at codon 2080 of the APC protein (p.Leu2080Phe). The leucine residue is highly conserved and there is a small physicochemical difference between leucine and phenylalanine.

NM_000038.6(APC):c.6240G>T (p.Leu2080Phe)

Gene: APC (APC regulator of Wnt signaling pathway; plus strand). Cytogenetic location: 5q22.2.
Variant type: single nucleotide variant.
Coding change: c.6240G>T on transcript NM_000038.6 (MANE Select); coding-DNA position 6240, G replaced by T.
Protein change: p.Leu2080Phe; replaces leucine 2080 with phenylalanine.
Molecular consequence: missense variant.
Genome position (GRCh38, 1-based): chr5:112,841,834, G>T. VCF-style: chr5-112841834-G-T. GRCh37 (hg19) VCF-style: chr5-112177531-G-T.
Other names: c.6240G>T, p.Leu2080Phe (NM_001127510.3, NM_001354895.2); c.6186G>T, p.Leu2062Phe (NM_001127511.3); c.6294G>T, p.Leu2098Phe (NM_001354896.2); c.6270G>T, p.Leu2090Phe (NM_001354897.2); c.6165G>T, p.Leu2055Phe (NM_001354898.2); c.6156G>T, p.Leu2052Phe (NM_001354899.2); c.6117G>T, p.Leu2039Phe (NM_001354900.2); c.6063G>T, p.Leu2021Phe (NM_001354901.2); and 5 more; short protein forms L2055F, L1797F, L1954F, L2021F, L2039F, L2052F, L2080F, L1979F.
Identifiers: ClinVar variation 1361994 (VCV001361994.8), dbSNP rs2149960443, ClinGen allele CA16034997.
Genomic context (GRCh38, chr5:112,841,834, plus strand): 5'-TGAAAAACATAGTCCCAGAAATATGGGTGGCATATTAGGTGAAGATCTGACACTTGATTT[G>T]AAAGATATACAGAGACCAGATTCAGAACATGGTCTATCCCCTGATTCAGAAAATTTTGAT-3'
Protein context (NP_000029.2, residues 2070-2090): GILGEDLTLD[Leu2080Phe]KDIQRPDSEH